The following is an entry in ClinVar:

NM_005401.5(PTPN14):c.1583C>T (p.Pro528Leu)

Gene: PTPN14 (protein tyrosine phosphatase non-receptor type 14; minus strand). Cytogenetic location: 1q32.3.
Variant type: single nucleotide variant.
Coding change: c.1583C>T on transcript NM_005401.5 (MANE Select); coding-DNA position 1583, C replaced by T.
Protein change: p.Pro528Leu; replaces proline 528 with leucine.
Molecular consequence: missense variant.
Genome position (GRCh38, 1-based): chr1:214,384,272, G>A on the plus strand (C>T on the coding strand, the complement: PTPN14 is on the minus strand). VCF-style: chr1-214384272-G-A. GRCh37 (hg19) VCF-style: chr1-214557615-G-A.
Other names: short protein forms P528L.
Identifiers: ClinVar variation 3237421 (VCV003237421.1), dbSNP rs141184727.

ClinVar aggregate classification (germline): Uncertain significance (1 of 4 stars; one submission).

Conditions:
Lymphedema-posterior choanal atresia syndrome. Identifiers: Orphanet 99141, MedGen C3150875, MONDO:0013324, OMIM 613611.

Allele frequency attached by ClinVar (database versions not stated): gnomAD 0.00021; ExAC 0.00026; TOPMed 0.00026; ESP Exome Variant Server 0.00031.
gnomAD v4.1: 314 of 1,614,040 alleles (0.019%); highest among the groups gnomAD compares: Admixed American, 0.14%; no homozygotes.

Submission:

Clinical Genomics Laboratory, Washington University in St. Louis
Classification: Uncertain significance for Lymphedema-posterior choanal atresia syndrome. Last evaluated: 2024-04-01. Review status: criteria provided, single submitter. Criteria: ACMG Guidelines, 2015. Collection method: clinical testing. Allele origin: germline.
Comment: A PTPN14 c.1583C>T (p.Pro528Leu) variant was identified at a heterozygous allelic fraction of 49.8%, a frequency which may be consistent with germline origin. This variant has been reported in the literature in a single individual with Knobloch syndrome in a homozygous state (Caglayan AO et al., PMID: 25456301). It is observed on 314/1,614,040 alleles in the general population (gnomAD v.4.0.0) and computational predictors suggest that the variant does not impact PTPN14 function. Due to limited information, and based on ACMG/AMP guidelines for variant interpretation (Richards S et al., PMID: 25741868), the clinical significance of this variant is uncertain at this time.